The following is an entry in ClinVar:

ClinVar aggregate classification (germline): Conflicting classifications of pathogenicity. Review status: criteria provided, conflicting classifications (1 of 4 stars). 2 submissions from 2 submitters: Uncertain significance (1); Likely benign (1). Last evaluated 2024-04-01.

Conditions:
Nemaline myopathy 2 (NEM2). Also called: Nemaline myopathy 2, autosomal recessive. Identifiers: MedGen C1850569, MONDO:0009725, OMIM 256030.

Allele frequency attached by ClinVar (database versions not stated): gnomAD 0.00001; gnomAD exomes 0.00001; TOPMed 0.00002; ExAC 0.00012.
gnomAD v4.1: 18 of 1,592,936 alleles (0.0011%); highest among the groups gnomAD compares: East Asian, 0.0045%; no homozygotes.

Submissions (2):

CeGaT Center for Human Genetics Tuebingen
Classification: Uncertain significance. Last evaluated: 2024-04-01. Review status: criteria provided, single submitter. Criteria: CeGaT Center For Human Genetics Tuebingen Variant Classification Criteria Version 2. Collection method: clinical testing. Allele origin: germline. Affected: yes. Observed: 1 variant allele.
Comment: NEB: PM2

Labcorp Genetics (formerly Invitae), Labcorp
Classification: Likely benign for Nemaline myopathy 2. Last evaluated: 2024-03-18. Review status: criteria provided, single submitter. Criteria: Invitae Variant Classification Sherloc (09022015). Collection method: clinical testing. Allele origin: germline.

NM_001164508.2(NEB):c.4594G>A (p.Ala1532Thr)

Gene: NEB (nebulin; minus strand). Cytogenetic location: 2q23.3.
Variant type: single nucleotide variant.
Coding change: c.4594G>A on transcript NM_001164508.2 (MANE Select); coding-DNA position 4594, G replaced by A.
Protein change: p.Ala1532Thr; replaces alanine 1532 with threonine.
Molecular consequence: missense variant.
Genome position (GRCh38, 1-based): chr2:151,669,044, C>T on the plus strand (G>A on the coding strand, the complement: NEB is on the minus strand). VCF-style: chr2-151669044-C-T. GRCh37 (hg19) VCF-style: chr2-152525558-C-T.
Other names: c.4594G>A, p.Ala1532Thr (NM_001164507.2, NM_001271208.2, NM_004543.5); short protein forms A1532T.
Identifiers: ClinVar variation 2062351 (VCV002062351.24), dbSNP rs764901671, ClinGen allele CA1910582.